The following is an entry in ClinVar:

ClinVar aggregate classification (germline): Uncertain significance (1 of 4 stars; one submission).

Conditions:
Cardiovascular phenotype. Identifiers: MedGen CN230736.
Hereditary cancer-predisposing syndrome. Also called: Tumor predisposition; Hereditary neoplastic syndrome; Neoplastic Syndromes, Hereditary; Hereditary Cancer Syndrome. Identifiers: Orphanet 140162, MedGen C0027672, MeSH D009386, MONDO:0015356.

Submission:

Ambry Genetics
Classification: Uncertain significance for Cardiovascular phenotype; Hereditary cancer-predisposing syndrome. Last evaluated: 2025-05-06. Review status: criteria provided, single submitter. Criteria: Ambry Variant Classification Scheme 2023. Collection method: clinical testing. Allele origin: germline.
Comment: The p.D633G variant (also known as c.1898A>G), located in coding exon 17 of the NF1 gene, results from an A to G substitution at nucleotide position 1898. The aspartic acid at codon 633 is replaced by glycine, an amino acid with similar properties. This amino acid position is conserved. In addition, this alteration is predicted to be tolerated by in silico analysis. Based on the available evidence, the clinical significance of this variant remains unclear.

NM_001042492.3(NF1):c.1898A>G (p.Asp633Gly)

Gene: NF1 (neurofibromin 1; plus strand). Cytogenetic location: 17q11.2.
Variant type: single nucleotide variant.
Coding change: c.1898A>G on transcript NM_001042492.3 (MANE Select); coding-DNA position 1898, A replaced by G.
Protein change: p.Asp633Gly; replaces aspartic acid 633 with glycine.
Molecular consequence: missense variant.
Genome position (GRCh38, 1-based): chr17:31,225,147, A>G. VCF-style: chr17-31225147-A-G. GRCh37 (hg19) VCF-style: chr17-29552165-A-G.
Other names: c.1898A>G, p.Asp633Gly (NM_000267.4); short protein forms D633G.
Identifiers: ClinVar variation 4027325 (VCV004027325.1).